The following is an entry in ClinVar:

ClinVar aggregate classification (germline): Uncertain significance (1 of 4 stars; one submission).

Conditions:
Shukla-Vernon syndrome. Identifiers: MedGen C5193146, MONDO:0026727, OMIM 301029.

Submission:

Baylor Genetics
Classification: Uncertain significance for Shukla-Vernon syndrome. Last evaluated: 2020-06-09. Review status: criteria provided, single submitter. Criteria: ACMG Guidelines, 2015. Collection method: clinical testing. Allele origin: unknown. Affected: yes.
Comment: This variant was determined to be of uncertain significance according to ACMG Guidelines, 2015 [PMID:25741868].

NM_001379451.1(BCORL1):c.1055C>G (p.Pro352Arg)

Gene: BCORL1 (BCL6 corepressor like 1; plus strand). Cytogenetic location: Xq26.1.
Variant type: single nucleotide variant.
Coding change: c.1055C>G on transcript NM_001379451.1 (MANE Select); coding-DNA position 1055, C replaced by G.
Protein change: p.Pro352Arg; replaces proline 352 with arginine.
Molecular consequence: missense variant.
Genome position (GRCh38, 1-based): chrX:130,013,827, C>G. VCF-style: chrX-130013827-C-G. GRCh37 (hg19) VCF-style: chrX-129147803-C-G.
Other names: c.1055C>G, p.Pro352Arg (NM_001184772.3, NM_001379450.1, NM_021946.5); short protein forms P352R.
Identifiers: ClinVar variation 1028230 (VCV001028230.1), dbSNP rs1929180944, ClinGen allele CA414579302.